The following is an entry in ClinVar:

NM_001370259.2(MEN1):c.554T>C (p.Val185Ala)

Gene: MEN1 (menin 1; minus strand). Cytogenetic location: 11q13.1.
Variant type: single nucleotide variant.
Coding change: c.554T>C on transcript NM_001370259.2 (MANE Select); coding-DNA position 554, T replaced by C.
Protein change: p.Val185Ala; replaces valine 185 with alanine.
Molecular consequence: missense variant. On other transcripts: intron variant (2).
Genome position (GRCh38, 1-based): chr11:64,807,991, A>G on the plus strand (T>C on the coding strand, the complement: MEN1 is on the minus strand). VCF-style: chr11-64807991-A-G. GRCh37 (hg19) VCF-style: chr11-64575463-A-G.
Other names: c.569T>C, p.Val190Ala (NM_000244.4, NM_130800.3, NM_130801.3 and 3 more transcripts); c.554T>C, p.Val185Ala (NM_001370251.2, NM_001370260.2, NM_001370261.2 and 1 more transcripts); c.549+5T>C (NM_001370263.2, NM_001370262.2); short protein forms V190A, V185A.
Identifiers: ClinVar variation 457326 (VCV000457326.15), dbSNP rs764847812, ClinGen allele CA061289.

ClinVar aggregate classification (germline): Conflicting classifications of pathogenicity. Review status: criteria provided, conflicting classifications (1 of 4 stars). 3 submissions from 3 submitters: Uncertain significance (2); Likely benign (1). Last evaluated 2025-12-02.

Conditions:
Hereditary cancer-predisposing syndrome. Also called: Hereditary Cancer Syndrome; Hereditary neoplastic syndrome; Tumor predisposition; Neoplastic Syndromes, Hereditary. Identifiers: Orphanet 140162, MedGen C0027672, MeSH D009386, MONDO:0015356.
Multiple endocrine neoplasia, type 1 (MEN1). Also called: MEN I; WERMER SYNDROME; Endocrine adenomatosis multiple; MEN 1; MEA I. Identifiers: Orphanet 652, MedGen C0025267, MeSH D018761, MONDO:0007540, OMIM 131100.

Allele frequency attached by ClinVar (database versions not stated): gnomAD exomes below 0.00001; ExAC 0.00001; TOPMed 0.00001.
gnomAD v4.1: 3 of 1,614,136 alleles (0.00019%); highest among the groups gnomAD compares: African/African-American, 0.0027%; no homozygotes.

Submissions (3):

Labcorp Genetics (formerly Invitae), Labcorp
Classification: Likely benign for Multiple endocrine neoplasia, type 1. Last evaluated: 2025-12-02. Review status: criteria provided, single submitter. Criteria: Invitae Variant Classification Sherloc (09022015). Collection method: clinical testing. Allele origin: germline.

Ambry Genetics
Classification: Uncertain significance for Hereditary cancer-predisposing syndrome. Last evaluated: 2025-01-13. Review status: criteria provided, single submitter. Criteria: Ambry Variant Classification Scheme 2023. Collection method: clinical testing. Allele origin: germline.
Comment: The p.V185A variant (also known as c.554T>C), located in coding exon 2 of the MEN1 gene, results from a T to C substitution at nucleotide position 554. The valine at codon 185 is replaced by alanine, an amino acid with similar properties. This amino acid position is well conserved in available vertebrate species. In addition, this alteration is predicted to be deleterious by in silico analysis. Since supporting evidence is limited at this time, the clinical significance of this alteration remains unclear.

All of Us Research Program, National Institutes of Health
Classification: Uncertain significance for Multiple endocrine neoplasia, type 1. Last evaluated: 2023-12-18. Review status: criteria provided, single submitter. Criteria: ACMG Guidelines, 2015. Collection method: clinical testing. Allele origin: germline. Inheritance: Autosomal dominant inheritance. Observed: 2 variant alleles, 2 heterozygotes.
Comment: This missense variant replaces valine with alanine at codon 185 of the MEN1 protein. Computational prediction suggests that this variant may have deleterious impact on protein structure and function (internally defined REVEL score threshold >= 0.7, PMID: 27666373). To our knowledge, functional studies have not been reported for this variant. This variant has been identified in 1/251354 chromosomes in the general population by the Genome Aggregation Database (gnomAD). The available evidence is insufficient to determine the role of this variant in disease conclusively. Therefore, this variant is classified as a Variant of Uncertain Significance.

This study involves interpretation of variants in research participants for the purpose of population health screening. Participant phenotype was not available at the time of variant classification. Additional details can be found in publication PMID: 35346344, PMCID: PMC8962531

Literature cited by the submitters: PubMed 37704212 (cited by All of Us Research Program, National Institutes of Health).